The following is an entry in ClinVar:

NM_001112741.2(KCNC1):c.1619G>A (p.Arg540His)

Gene: KCNC1 (potassium voltage-gated channel subfamily C member 1; plus strand). Cytogenetic location: 11p15.1.
Variant type: single nucleotide variant.
Coding change: c.1619G>A on transcript NM_001112741.2 (MANE Select); coding-DNA position 1619, G replaced by A.
Protein change: p.Arg540His; replaces arginine 540 with histidine.
Molecular consequence: missense variant.
Genome position (GRCh38, 1-based): chr11:17,779,570, G>A. VCF-style: chr11-17779570-G-A. GRCh37 (hg19) VCF-style: chr11-17801117-G-A.
Other names: short protein forms R540H.
Identifiers: ClinVar variation 580602 (VCV000580602.11), dbSNP rs375362627, ClinGen allele CA5906849.
Genomic context (GRCh38, chr11:17,779,570, plus strand): 5'-CCCACATAGACCAGGCCCTCACTCCCGATGAGGGCCTGCCCTTTACGCGCTCGGGCACCC[G>A]CGAGAGATACGGACCCTGCTTCCTCTTATCAACCGGGGAGTACGCGTGCCCACCTGGTGG-3'
Protein context (NP_001106212.1, residues 530-550): EGLPFTRSGT[Arg540His]ERYGPCFLLS

ClinVar aggregate classification (germline): Conflicting classifications of pathogenicity. Review status: criteria provided, conflicting classifications (1 of 4 stars). 3 submissions from 3 submitters: Uncertain significance (2); Likely benign (1). Last evaluated 2025-12-15.

Conditions:
Progressive myoclonic epilepsy type 7. Identifiers: Orphanet 435438, MedGen C4015420, MONDO:0014521, OMIM 616187.
Inborn genetic diseases. Identifiers: MedGen C0950123, MeSH D030342.

Allele frequency attached by ClinVar (database versions not stated): gnomAD 0.00002 and 0.00003; gnomAD exomes 0.00003 and 0.00004; TOPMed 0.00004; ExAC 0.00005; ESP Exome Variant Server 0.00022.
gnomAD v4.1: 49 of 1,551,442 alleles (0.0032%); highest among the groups gnomAD compares: East Asian, 0.0049%; no homozygotes.

Submissions (3):

Labcorp Genetics (formerly Invitae), Labcorp
Classification: Uncertain significance for Progressive myoclonic epilepsy type 7. Last evaluated: 2025-12-15. Review status: criteria provided, single submitter. Criteria: Invitae Variant Classification Sherloc (09022015). Collection method: clinical testing. Allele origin: germline.
Comment: This sequence change replaces arginine, which is basic and polar, with histidine, which is basic and polar, at codon 540 of the KCNC1 protein (p.Arg540His). This variant is present in population databases (rs375362627, gnomAD 0.007%). This missense change has been observed in individual(s) with autosomal dominant epileptic encephalopathy (internal data). ClinVar contains an entry for this variant (Variation ID: 580602). Invitae Evidence Modeling of protein sequence and biophysical properties (such as structural, functional, and spatial information, amino acid conservation, physicochemical variation, residue mobility, and thermodynamic stability) indicates that this missense variant is expected to disrupt KCNC1 protein function with a positive predictive value of 95%. In summary, the available evidence is currently insufficient to determine the role of this variant in disease. Therefore, it has been classified as a Variant of Uncertain Significance.

Women's Health and Genetics/Laboratory Corporation of America, LabCorp
Classification: Uncertain significance. Last evaluated: 2024-04-17. Review status: criteria provided, single submitter. Criteria: LabCorp Variant Classification Summary - May 2015. Collection method: clinical testing. Allele origin: germline.
Comment: Variant summary: KCNC1 c.1619G>A (p.Arg540His) results in a non-conservative amino acid change in the encoded protein sequence. Four of four in-silico tools predict a damaging effect of the variant on protein function. The variant allele was found at a frequency of 3.9e-05 in 153834 control chromosomes. The available data on variant occurrences in the general population are insufficient to allow any conclusion about variant significance. To our knowledge, no occurrence of c.1619G>A in individuals affected with Epilepsy, Progressive Myoclonic 7 and no experimental evidence demonstrating its impact on protein function have been reported. ClinVar contains an entry for this variant (Variation ID: 580602). Based on the evidence outlined above, the variant was classified as uncertain significance.

Ambry Genetics
Classification: Likely benign for Inborn genetic diseases. Last evaluated: 2022-10-03. Review status: criteria provided, single submitter. Criteria: Ambry Variant Classification Scheme 2023. Collection method: clinical testing. Allele origin: germline.